The following is an entry in ClinVar:

NM_005188.4(CBL):c.2452C>G (p.Gln818Glu)

Gene: CBL (Cbl proto-oncogene; plus strand). Cytogenetic location: 11q23.3.
Variant type: single nucleotide variant.
Coding change: c.2452C>G on transcript NM_005188.4 (MANE Select); coding-DNA position 2452, C replaced by G.
Protein change: p.Gln818Glu; replaces glutamine 818 with glutamic acid.
Molecular consequence: missense variant.
Genome position (GRCh38, 1-based): chr11:119,299,512, C>G. VCF-style: chr11-119299512-C-G. GRCh37 (hg19) VCF-style: chr11-119170222-C-G.
Other names: short protein forms Q818E.
Identifiers: ClinVar variation 4613875 (VCV004613875.1).
Genomic context (GRCh38, chr11:119,299,512, plus strand): 5'-ATTTCCCCAGATTTGCAAATATTTTCTTTCCTATTTCTTCTAGATGTCACTGAAGGTTCC[C>G]AAGTTCCCGAGAGGCCTCCAAAACCATTCCCGCGGAGAATCAACTCTGAACGGAAAGCTG-3'
Protein context (NP_005179.2, residues 808-828): DPTTNVTEGS[Gln818Glu]VPERPPKPFP

ClinVar aggregate classification (germline): Uncertain significance (1 of 4 stars; one submission).

Conditions:
Cardiovascular phenotype. Identifiers: MedGen CN230736.

gnomAD v4.1: 1 of 1,614,014 alleles (0.000062%); highest among the groups gnomAD compares: African/African-American, 0.0013%; no homozygotes.

Submission:

Ambry Genetics
Classification: Uncertain significance for Cardiovascular phenotype. Last evaluated: 2025-11-15. Review status: criteria provided, single submitter. Criteria: Ambry Variant Classification Scheme 2023. Collection method: clinical testing. Allele origin: germline.
Comment: The p.Q818E variant (also known as c.2452C>G), located in coding exon 16 of the CBL gene, results from a C to G substitution at nucleotide position 2452. The glutamine at codon 818 is replaced by glutamic acid, an amino acid with highly similar properties. This amino acid position is conserved. In addition, this alteration is predicted to be tolerated by in silico analysis. Based on the available evidence, the clinical significance of this variant remains unclear.